The following is an entry in ClinVar:

ClinVar aggregate classification (germline): Uncertain significance. Review status: criteria provided, single submitter (1 of 4 stars). 2 submissions from 2 submitters: Uncertain significance (1). 1 of the submissions does not count toward it. Last evaluated 2024-07-15.

Conditions:
Familial thoracic aortic aneurysm and aortic dissection (TAAD). Also called: Thoracic aortic aneurysms and dissections. Identifiers: Orphanet 91387, MedGen C4707243, MONDO:0019625.
Marfan syndrome (MFS). Also called: Marfan syndrome type 1; Marfan syndrome, classic; Marfan's syndrome; FBN1-Related Marfan Syndrome; MARFAN SYNDROME, TYPE I. Identifiers: Orphanet 284963, Orphanet 558, MedGen C0024796, MONDO:0007947, OMIM 154700.

Submissions (2):

Color Diagnostics, LLC DBA Color Health
Classification: Uncertain significance for Familial thoracic aortic aneurysm and aortic dissection. Last evaluated: 2024-07-15. Review status: criteria provided, single submitter. Criteria: ACMG Guidelines, 2015. Collection method: clinical testing. Allele origin: germline.
Comment: This missense variant replaces tyrosine with histidine at codon 1395 of the FBN1 protein. Computational prediction suggests that this variant may have deleterious impact on protein structure and function (internally defined REVEL score threshold >= 0.7, PMID: 27666373). To our knowledge, functional studies have not been reported for this variant. This variant has not been reported in individuals affected with FBN1-related disorders in the literature. This variant has not been identified in the general population by the Genome Aggregation Database (gnomAD). The available evidence is insufficient to determine the role of this variant in disease conclusively. Therefore, this variant is classified as a Variant of Uncertain Significance.

Center for Medical Genetics Ghent, University of Ghent
Classification: Uncertain significance for Marfan syndrome. Last evaluated: 2017-11-07. Review status: no assertion criteria provided. Collection method: clinical testing. Allele origin: germline. Affected: yes. Not counted in ClinVar's aggregate classification.

NM_000138.5(FBN1):c.4183T>C (p.Tyr1395His)

Gene: FBN1 (fibrillin 1; minus strand). Cytogenetic location: 15q21.1.
Variant type: single nucleotide variant.
Coding change: c.4183T>C on transcript NM_000138.5 (MANE Select); coding-DNA position 4183, T replaced by C.
Protein change: p.Tyr1395His; replaces tyrosine 1395 with histidine.
Molecular consequence: missense variant.
Genome position (GRCh38, 1-based): chr15:48,474,282, A>G on the plus strand (T>C on the coding strand, the complement: FBN1 is on the minus strand). VCF-style: chr15-48474282-A-G. GRCh37 (hg19) VCF-style: chr15-48766479-A-G.
Other names: short protein forms Y1395H.
Identifiers: ClinVar variation 549212 (VCV000549212.2), dbSNP rs1555397653, ClinGen allele CA392320048.